The following is an entry in ClinVar:

ClinVar aggregate classification (germline): Conflicting classifications of pathogenicity. Review status: criteria provided, conflicting classifications (1 of 4 stars). 3 submissions from 3 submitters: Uncertain significance (2); Likely benign (1). Last evaluated 2026-09-01.

Conditions:
Hereditary cancer-predisposing syndrome. Also called: Neoplastic Syndromes, Hereditary; Hereditary Cancer Syndrome; Hereditary neoplastic syndrome; Tumor predisposition. Identifiers: Orphanet 140162, MedGen C0027672, MeSH D009386, MONDO:0015356.
Hereditary breast ovarian cancer syndrome. Also called: Breast and ovarian cancer; Hereditary breast and ovarian cancer syndrome (HBOC); BRCA1- and BRCA2-Associated Hereditary Breast and Ovarian Cancer; Hereditary breast and ovarian cancer syndrome; Hereditary breast and ovarian cancer; Hereditary breast and/or ovarian cancer syndrome. Identifiers: Orphanet 145, MedGen C0677776, MeSH D061325, MONDO:0003582. Disease mechanism: loss of function.

Submissions (3):

Ambry Genetics
Classification: Uncertain significance for Hereditary cancer-predisposing syndrome. Last evaluated: 2026-09-01. Review status: criteria provided, single submitter. Criteria: Ambry Variant Classification Scheme 2023. Collection method: clinical testing. Allele origin: germline.
Comment: The p.S592R variant (also known as c.1774A>C), located in coding exon 9 of the BRCA1 gene, results from an A to C substitution at nucleotide position 1774. The serine at codon 592 is replaced by arginine, an amino acid with dissimilar properties. This amino acid position is not well conserved in available vertebrate species. In addition, the in silico prediction for this alteration is inconclusive. Based on the available evidence, the clinical significance of this variant remains unclear.

University of Washington Department of Laboratory Medicine, University of Washington
Classification: Likely benign for Hereditary cancer-predisposing syndrome. Last evaluated: 2023-03-23. Review status: criteria provided, single submitter. Criteria: Dines et al. (Genet Med. 2020). Collection method: curation. Allele origin: germline.
Comment: Missense variant in a coldspot region where missense variants are very unlikely to be pathogenic (PMID:31911673).

BRCA1 coldspot (exon 11 using historical exon numbering). Reclassification based on statistical prior probability

Labcorp Genetics (formerly Invitae), Labcorp
Classification: Uncertain significance for Hereditary breast ovarian cancer syndrome. Last evaluated: 2018-10-20. Review status: criteria provided, single submitter. Criteria: Invitae Variant Classification Sherloc (09022015). Collection method: clinical testing. Allele origin: germline.
Comment: Algorithms developed to predict the effect of missense changes on protein structure and function (SIFT, PolyPhen-2, Align-GVGD) all suggest that this variant is likely to be tolerated, but these predictions have not been confirmed by published functional studies and their clinical significance is uncertain. This variant has been reported in individuals in the Leiden Open-source Variation Database (PMID: 21520333). This variant is not present in population databases (ExAC no frequency). This sequence change replaces serine with arginine at codon 592 of the BRCA1 protein (p.Ser592Arg). The serine residue is moderately conserved and there is a moderate physicochemical difference between serine and arginine. In summary, the available evidence is currently insufficient to determine the role of this variant in disease. Therefore, it has been classified as a Variant of Uncertain Significance.

Literature cited by the submitters: PubMed 21520333 (cited by Labcorp Genetics (formerly Invitae), Labcorp).

NM_007294.4(BRCA1):c.1774A>C (p.Ser592Arg)

Gene: BRCA1 (BRCA1 DNA repair associated; minus strand). Cytogenetic location: 17q21.31.
Variant type: single nucleotide variant.
Coding change: c.1774A>C on transcript NM_007294.4 (MANE Select); coding-DNA position 1774, A replaced by C.
Protein change: p.Ser592Arg; replaces serine 592 with arginine.
Molecular consequence: missense variant. On other transcripts: intron variant (137).
Genome position (GRCh38, 1-based): chr17:43,093,757, T>G on the plus strand (A>C on the coding strand, the complement: BRCA1 is on the minus strand). VCF-style: chr17-43093757-T-G. GRCh37 (hg19) VCF-style: chr17-41245774-T-G.
Other names: c.1696A>C, p.Ser566Arg (NM_001407655.1, NM_001407656.1, NM_001407657.1 and 4 more transcripts); c.1561A>C, p.Ser521Arg (NM_001407571.1, NM_001407915.1, NM_001407916.1 and 9 more transcripts); c.1774A>C, p.Ser592Arg (NM_001407581.1, NM_001407582.1, NM_001407583.1 and 30 more transcripts); c.1693A>C, p.Ser565Arg (NM_001407659.1, NM_001407660.1, NM_001407661.1 and 1 more transcripts); c.1648A>C, p.Ser550Arg (NM_001407671.1, NM_001407672.1, NM_001407673.1 and 11 more transcripts); c.1771A>C, p.Ser591Arg (NM_001407587.1, NM_001407590.1, NM_001407591.1 and 22 more transcripts); c.1651A>C, p.Ser551Arg (NM_001407674.1, NM_001407675.1, NM_001407676.1 and 19 more transcripts); c.1633A>C, p.Ser545Arg (NM_001407692.1, NM_001407694.1, NM_001407695.1 and 29 more transcripts); and 40 more; short protein forms S592R, S545R, S504R, S522R, S524R, S521R, S544R, S565R.
Identifiers: ClinVar variation 654417 (VCV000654417.13), dbSNP rs1597874233, ClinGen allele CA10598477.